The following is an entry in ClinVar:

NM_004304.5(ALK):c.487G>T (p.Val163Leu)

Gene: ALK (ALK receptor tyrosine kinase; minus strand). Cytogenetic location: 2p23.1.
Variant type: single nucleotide variant.
Coding change: c.487G>T on transcript NM_004304.5 (MANE Select); coding-DNA position 487, G replaced by T.
Protein change: p.Val163Leu; replaces valine 163 with leucine.
Molecular consequence: missense variant.
Genome position (GRCh38, 1-based): chr2:29,920,173, C>A on the plus strand (G>T on the coding strand, the complement: ALK is on the minus strand). VCF-style: chr2-29920173-C-A. GRCh37 (hg19) VCF-style: chr2-30143039-C-A.
Other names: short protein forms V163L.
Identifiers: ClinVar variation 133459 (VCV000133459.19), dbSNP rs55697431, ClinGen allele CA156593.
Genomic context (GRCh38, chr2:29,920,173, plus strand): 5'-CTTCGCCTTGGCGAATCCACCAACTGAACAGCTCGCTGAGATTGAACTGGAGCAGCCCCA[C>A]AGCCGCCTCCCCGGGGGGCCCGACGCAACCCTCCAAGATCGCCTCCTCGCCCAGCTCCAG-3'
Protein context (NP_004295.2, residues 153-173): GCVGPPGEAA[Val163Leu]GLLQFNLSEL

ClinVar aggregate classification (germline): Benign/Likely benign. Review status: criteria provided, multiple submitters, no conflicts (2 of 4 stars). 9 submissions from 9 submitters: Benign (5); Likely benign (3). 1 of the submissions does not count toward it. Last evaluated 2026-02-03.

Conditions:
Hereditary cancer-predisposing syndrome. Also called: Tumor predisposition; Hereditary neoplastic syndrome; Neoplastic Syndromes, Hereditary; Hereditary Cancer Syndrome. Identifiers: Orphanet 140162, MedGen C0027672, MeSH D009386, MONDO:0015356.
Neuroblastoma, susceptibility to, 3. Also called: ALK-Related Neuroblastic Tumor Susceptibility. Identifiers: Orphanet 635, MedGen C2751681, MONDO:0013083, OMIM 613014.

Allele frequency attached by ClinVar (database versions not stated): gnomAD 0.00019 and 0.00023; TOPMed 0.00025; ExAC 0.00033; gnomAD exomes 0.00036; 1000 Genomes Project 30x 0.00094; 1000 Genomes Project 0.00120.
gnomAD v4.1: 183 of 1,613,480 alleles (0.011%); highest among the groups gnomAD compares: East Asian, 0.28%; 1 homozygote.

Submissions (9):

Labcorp Genetics (formerly Invitae), Labcorp
Classification: Benign for Neuroblastoma, susceptibility to, 3. Last evaluated: 2026-02-03. Review status: criteria provided, single submitter. Criteria: Invitae Variant Classification Sherloc (09022015). Collection method: clinical testing. Allele origin: germline.

Women's Health and Genetics/Laboratory Corporation of America, LabCorp
Classification: Likely benign. Last evaluated: 2025-06-16. Review status: criteria provided, single submitter. Criteria: LabCorp Variant Classification Summary - May 2015. Collection method: clinical testing. Allele origin: germline.

Ambry Genetics
Classification: Benign for Hereditary cancer-predisposing syndrome. Last evaluated: 2024-06-26. Review status: criteria provided, single submitter. Criteria: Ambry Variant Classification Scheme 2023. Collection method: clinical testing. Allele origin: germline.

KCCC/NGS Laboratory, Kuwait Cancer Control Center
Classification: Benign for Neuroblastoma, susceptibility to, 3. Last evaluated: 2023-07-07. Review status: criteria provided, single submitter. Criteria: ACMG Guidelines, 2015. Collection method: clinical testing. Allele origin: germline. Affected: yes.

ARUP Laboratories, Molecular Genetics and Genomics, ARUP Laboratories
Classification: Likely benign for Neuroblastoma, susceptibility to, 3. Last evaluated: 2023-05-25. Review status: criteria provided, single submitter. Criteria: ARUP Molecular Germline Variant Investigation Process 2024. Collection method: clinical testing. Allele origin: germline.

Sema4
Classification: Benign for Hereditary cancer-predisposing syndrome. Last evaluated: 2022-01-15. Review status: criteria provided, single submitter. Criteria: Sema4 Curation Guidelines. Collection method: curation. Allele origin: germline.

Illumina Laboratory Services, Illumina
Classification: Benign for Neuroblastoma, susceptibility to, 3. Last evaluated: 2018-01-12. Review status: criteria provided, single submitter. Criteria: ICSL Variant Classification Criteria 13 December 2019. Collection method: clinical testing. Allele origin: germline.
Comment: This variant was observed in the ICSL laboratory as part of a predisposition screen in an ostensibly healthy population. It had not been previously curated by ICSL or reported in the Human Gene Mutation Database (HGMD: prior to June 1st, 2018), and was therefore a candidate for classification through an automated scoring system. Utilizing variant allele frequency, disease prevalence and penetrance estimates, and inheritance mode, an automated score was calculated to assess if this variant is too frequent to cause the disease. Based on the score and internal cut-off values, a variant classified as benign is not then subjected to further curation. The score for this variant resulted in a classification of benign for this disease.

GeneDx
Classification: Likely benign. Last evaluated: 2017-12-20. Review status: criteria provided, single submitter. Criteria: GeneDx Variant Classification (06012015). Collection method: clinical testing. Allele origin: germline. Affected: yes.
Comment: This variant is considered likely benign or benign based on one or more of the following criteria: it is a conservative change, it occurs at a poorly conserved position in the protein, it is predicted to be benign by multiple in silico algorithms, and/or has population frequency not consistent with disease.

ITMI
No classification provided. Condition: AllHighlyPenetrant. Last evaluated: 2013-09-19. Review status: no classification provided. Collection method: reference population. Allele origin: germline. Not counted in ClinVar's aggregate classification.
Comment: Please see associated publication for description of ethnicities

Literature cited by the submitters: PubMed 24728327 (cited by ITMI).